The following is an entry in ClinVar:

ClinVar aggregate classification (germline): Benign/Likely benign. Review status: criteria provided, multiple submitters, no conflicts (2 of 4 stars). 8 submissions from 8 submitters: Benign (7); Likely benign (1). Last evaluated 2026-02-03.

Conditions:
Long QT syndrome (LQTS). Identifiers: MedGen C0023976, MeSH D008133, MONDO:0002442. Disease mechanism: loss of function. Inheritance: Various modes of inheritance.
Cardiovascular phenotype. Identifiers: MedGen CN230736.
Long QT syndrome 11 (LQT11). Identifiers: Orphanet 101016, Orphanet 768, MedGen C2678483, MONDO:0012738, OMIM 611820.

Allele frequency attached by ClinVar (database versions not stated): gnomAD exomes 0.00067 and 0.00186; ExAC 0.00227; gnomAD 0.00786 and 0.00849; ESP Exome Variant Server 0.00846; TOPMed 0.00852; 1000 Genomes Project 0.00899; 1000 Genomes Project 30x 0.00953.
gnomAD v4.1: 2,211 of 1,613,748 alleles (0.14%); highest among the groups gnomAD compares: African/African-American, 2.6%; 31 homozygotes.

Submissions (8):

Labcorp Genetics (formerly Invitae), Labcorp
Classification: Benign for Long QT syndrome. Last evaluated: 2026-02-03. Review status: criteria provided, single submitter. Criteria: Invitae Variant Classification Sherloc (09022015). Collection method: clinical testing. Allele origin: germline.

Genome-Nilou Lab
Classification: Benign for Long QT syndrome 11. Last evaluated: 2021-12-05. Review status: criteria provided, single submitter. Criteria: ACMG Guidelines, 2015. Collection method: clinical testing. Allele origin: germline. Affected: no.

Women's Health and Genetics/Laboratory Corporation of America, LabCorp
Classification: Benign. Last evaluated: 2021-08-09. Review status: criteria provided, single submitter. Criteria: LabCorp Variant Classification Summary - May 2015. Collection method: clinical testing. Allele origin: germline.
Comment: Variant summary: AKAP9 c.4841G>A (p.Arg1614Gln) results in a conservative amino acid change in the encoded protein sequence. Five of five in-silico tools predict a benign effect of the variant on protein function. The variant allele was found at a frequency of 0.0019 in 251238 control chromosomes in the gnomAD database, including 6 homozygotes. The observed variant frequency is approximately 558 fold of the estimated maximal expected allele frequency for a pathogenic variant in AKAP9 causing Long QT Syndrome phenotype (3.3e-06), strongly suggesting that the variant is benign. To our knowledge, no occurrence of c.4841G>A in individuals affected with Long QT Syndrome and no experimental evidence demonstrating its impact on protein function have been reported. Three clinical diagnostic laboratories have submitted clinical-significance assessments for this variant to ClinVar after 2014 without evidence for independent evaluation. All laboratories classified the variant as benign/likely benign. Based on the evidence outlined above, the variant was classified as benign.

Fulgent Genetics
Classification: Benign for Long QT syndrome 11. Last evaluated: 2021-07-21. Review status: criteria provided, single submitter. Criteria: ACMG Guidelines, 2015. Collection method: clinical testing. Allele origin: unknown.

Ambry Genetics
Classification: Benign for Cardiovascular phenotype. Last evaluated: 2016-09-23. Review status: criteria provided, single submitter. Criteria: Ambry Variant Classification Scheme 2023. Collection method: clinical testing. Allele origin: germline.

Biesecker Lab/Clinical Genomics Section, National Institutes of Health
Classification: Benign. Last evaluated: 2013-06-24. Review status: criteria provided, single submitter. Criteria: Ng et al. (Circ Cardiovasc Genet. 2013). Collection method: research. Allele origin: unknown. Observed: 4 variant alleles. Study: ClinSeq.
Comment: The study set was not selected for affection status in relation to any cancer. Pathogenicity categories were based on literature curation. See Pubmed ID:23861362 for details.

Medical sequencing

GeneDx
Classification: Benign. Last evaluated: 2012-05-18. Review status: criteria provided, single submitter. Criteria: GeneDx Variant Classification (06012015). Collection method: clinical testing. Allele origin: germline. Affected: yes.
Comment: This variant is considered likely benign or benign based on one or more of the following criteria: it is a conservative change, it occurs at a poorly conserved position in the protein, it is predicted to be benign by multiple in silico algorithms, and/or has population frequency not consistent with disease.

Breakthrough Genomics
Classification: Likely benign. Review status: criteria provided, single submitter. Criteria: ACMG Guidelines, 2015. Collection method: not provided. Allele origin: germline. Inheritance: Autosomal dominant inheritance. Affected: yes.

NM_005751.5(AKAP9):c.4841G>A (p.Arg1614Gln)

Gene: AKAP9 (A-kinase anchoring protein 9; plus strand). Cytogenetic location: 7q21.2.
Variant type: single nucleotide variant.
Coding change: c.4841G>A on transcript NM_005751.5 (MANE Select); coding-DNA position 4841, G replaced by A.
Protein change: p.Arg1614Gln; replaces arginine 1614 with glutamine.
Molecular consequence: missense variant.
Genome position (GRCh38, 1-based): chr7:92,040,822, G>A. VCF-style: chr7-92040822-G-A. GRCh37 (hg19) VCF-style: chr7-91670136-G-A.
Other names: p.R1614Q:CGG>CAG; c.4841G>A, p.Arg1614Gln (NM_147185.3); short protein forms R1614Q.
Identifiers: ClinVar variation 136330 (VCV000136330.24), dbSNP rs2230768, ClinGen allele CA163143.
Genomic context (GRCh38, chr7:92,040,822, plus strand): 5'-TTGTACGACAATACCAAGAACATCAACAGGCAACGGAATTGTTAAGGCAAGCACATATGC[G>A]GCAAATGGAGAGACAGCGAGAAGACCAGGAACAGCTACAAGAAGAGATTAAGAGACTTAA-3'
Protein context (NP_005742.4, residues 1604-1624): ATELLRQAHM[Arg1614Gln]QMERQREDQE